The following is an entry in ClinVar:

NM_003114.5(SPAG1):c.762del (p.Lys254fs)

Gene: SPAG1 (sperm associated antigen 1; plus strand). Cytogenetic location: 8q22.2.
Variant type: Deletion.
Coding change: c.762del on transcript NM_003114.5 (MANE Select); coding-DNA position 762, one base deleted (A; older notation c.762delA).
Protein change: p.Lys254fs; shifts the reading frame from lysine 254.
Molecular consequence: frameshift variant.
Genome position (GRCh38, 1-based): chr8:100,187,180, A deleted; the last of 3 consecutive A bases (chr8:100,187,178-100,187,180); deleting any one gives the same sequence. VCF-style (leftmost placement, unchanged base first): chr8-100187177-CA-C. GRCh37 (hg19) VCF-style: chr8-101199405-CA-C.
Other names: c.762del, p.Lys254fs (NM_001374321.1, NM_172218.3); short protein forms K254fs.
Identifiers: ClinVar variation 961018 (VCV000961018.7), dbSNP rs1816621138, ClinGen allele CA1139660701.

ClinVar aggregate classification (germline): Pathogenic (1 of 4 stars; one submission).

Conditions:
Primary ciliary dyskinesia 28. Also called: CILIARY DYSKINESIA, PRIMARY, 28, WITH OR WITHOUT SITUS INVERSUS. Identifiers: Orphanet 244, MedGen C3809706, MONDO:0014216, OMIM 615505.

Submission:

Labcorp Genetics (formerly Invitae), Labcorp
Classification: Pathogenic for Primary ciliary dyskinesia 28. Last evaluated: 2021-03-29. Review status: criteria provided, single submitter. Criteria: Invitae Variant Classification Sherloc (09022015). Collection method: clinical testing. Allele origin: germline.
Comment: For these reasons, this variant has been classified as Pathogenic. Loss-of-function variants in SPAG1 are known to be pathogenic (PMID: 24055112). This variant has not been reported in the literature in individuals with SPAG1-related conditions. This variant is not present in population databases (ExAC no frequency). This sequence change creates a premature translational stop signal (p.Lys254Asnfs*18) in the SPAG1 gene. It is expected to result in an absent or disrupted protein product.

Literature cited by the submitters: PubMed 24055112.